The following is an entry in ClinVar:

ClinVar aggregate classification (germline): Likely benign (1 of 4 stars; one submission).

Allele frequency attached by ClinVar (database versions not stated): gnomAD exomes below 0.00001; TOPMed below 0.00001; gnomAD 0.00001.
gnomAD v4.1: 4 of 1,613,858 alleles (0.00025%); highest among the groups gnomAD compares: Non-Finnish European, 0.00034%; no homozygotes.

Submission:

GeneDx
Classification: Likely benign. Last evaluated: 2018-01-16. Review status: criteria provided, single submitter. Criteria: GeneDx Variant Classification (06012015). Collection method: clinical testing. Allele origin: germline. Affected: yes.
Comment: This variant is considered likely benign or benign based on one or more of the following criteria: it is a conservative change, it occurs at a poorly conserved position in the protein, it is predicted to be benign by multiple in silico algorithms, and/or has population frequency not consistent with disease.

NM_001457.4(FLNB):c.787+14C>T

Gene: FLNB (filamin B; plus strand). Cytogenetic location: 3p14.3.
Variant type: single nucleotide variant.
Coding change: c.787+14C>T on transcript NM_001457.4 (MANE Select); 14 bases into the intron after coding-DNA position 787, C replaced by T.
Molecular consequence: intron variant.
Genome position (GRCh38, 1-based): chr3:58,081,790, C>T. VCF-style: chr3-58081790-C-T. GRCh37 (hg19) VCF-style: chr3-58067517-C-T.
Other names: c.787+14C>T (NM_001164317.2, NM_001164318.2, NM_001164319.2).
Identifiers: ClinVar variation 515009 (VCV000515009.1), dbSNP rs1421148550, ClinGen allele CA658796341.